The following is an entry in ClinVar:

NM_000455.5(STK11):c.13G>A (p.Asp5Asn)

Gene: STK11 (serine/threonine kinase 11; plus strand). Cytogenetic location: 19p13.3.
Variant type: single nucleotide variant.
Coding change: c.13G>A on transcript NM_000455.5 (MANE Select); coding-DNA position 13, G replaced by A.
Protein change: p.Asp5Asn; replaces aspartic acid 5 with asparagine.
Molecular consequence: missense variant.
Genome position (GRCh38, 1-based): chr19:1,206,926, G>A. VCF-style: chr19-1206926-G-A. GRCh37 (hg19) VCF-style: chr19-1206925-G-A.
Other names: c.13G>A, p.Asp5Asn (NM_001407255.1); short protein forms D5N.
Identifiers: ClinVar variation 1771767 (VCV001771767.8), dbSNP rs1399081375, ClinGen allele CA402943001.

ClinVar aggregate classification (germline): Conflicting classifications of pathogenicity. Review status: criteria provided, conflicting classifications (1 of 4 stars). 2 submissions from 2 submitters: Uncertain significance (1); Likely benign (1). Last evaluated 2025-11-03.

Conditions:
Hereditary cancer-predisposing syndrome. Also called: Tumor predisposition; Neoplastic Syndromes, Hereditary; Hereditary Cancer Syndrome; Hereditary neoplastic syndrome. Identifiers: Orphanet 140162, MedGen C0027672, MeSH D009386, MONDO:0015356.
Peutz-Jeghers syndrome (PJS). Also called: POLYPOSIS, HAMARTOMATOUS INTESTINAL; POLYPS-AND-SPOTS SYNDROME; Peutz-Jeghers polyposis; Periorificial lentiginosis syndrome. Identifiers: Orphanet 2869, MedGen C0031269, MeSH D010580, MONDO:0008280, OMIM 175200.

Allele frequency attached by ClinVar (database versions not stated): gnomAD exomes below 0.00001.
gnomAD v4.1: 2 of 1,586,274 alleles (0.00013%); highest among the groups gnomAD compares: East Asian, 0.0046%; no homozygotes.

Submissions (2):

Labcorp Genetics (formerly Invitae), Labcorp
Classification: Uncertain significance for Peutz-Jeghers syndrome. Last evaluated: 2025-11-03. Review status: criteria provided, single submitter. Criteria: Invitae Variant Classification Sherloc (09022015). Collection method: clinical testing. Allele origin: germline.
Comment: This sequence change replaces aspartic acid, which is acidic and polar, with asparagine, which is neutral and polar, at codon 5 of the STK11 protein (p.Asp5Asn). This variant is present in population databases (no rsID available, gnomAD 0.007%). This variant has not been reported in the literature in individuals affected with STK11-related conditions. ClinVar contains an entry for this variant (Variation ID: 1771767). Invitae Evidence Modeling of protein sequence and biophysical properties (such as structural, functional, and spatial information, amino acid conservation, physicochemical variation, residue mobility, and thermodynamic stability) has been performed for this missense variant. However, the output from this modeling did not meet the statistical confidence thresholds required to predict the impact of this variant on STK11 protein function. In summary, the available evidence is currently insufficient to determine the role of this variant in disease. Therefore, it has been classified as a Variant of Uncertain Significance.

Ambry Genetics
Classification: Likely benign for Hereditary cancer-predisposing syndrome. Last evaluated: 2025-03-13. Review status: criteria provided, single submitter. Criteria: Ambry Variant Classification Scheme 2023. Collection method: clinical testing. Allele origin: germline.